The following is an entry in ClinVar:

ClinVar aggregate classification (germline): Uncertain significance (1 of 4 stars; one submission).

Allele frequency attached by ClinVar (database versions not stated): gnomAD exomes below 0.00001; TOPMed below 0.00001.
gnomAD v4.1: 1 of 1,613,680 alleles (0.000062%); highest among the groups gnomAD compares: Non-Finnish European, 0.000085%; no homozygotes.

Submission:

GeneDx
Classification: Uncertain significance. Last evaluated: 2021-06-09. Review status: criteria provided, single submitter. Criteria: GeneDx Variant Classification Process June 2021. Collection method: clinical testing. Allele origin: germline. Affected: yes.
Comment: Has not been previously published as pathogenic or benign to our knowledge; Not observed at significant frequency in large population cohorts (Lek et al., 2016); In silico analysis supports that this missense variant does not alter protein structure/function; This variant is associated with the following publications: (PMID: 27535533)

NM_182931.3(KMT2E):c.4909G>A (p.Gly1637Arg)

Gene: KMT2E (lysine methyltransferase 2E (inactive); plus strand). Cytogenetic location: 7q22.3.
Variant type: single nucleotide variant.
Coding change: c.4909G>A on transcript NM_182931.3 (MANE Select); coding-DNA position 4909, G replaced by A.
Protein change: p.Gly1637Arg; replaces glycine 1637 with arginine.
Molecular consequence: missense variant.
Genome position (GRCh38, 1-based): chr7:105,112,665, G>A. VCF-style: chr7-105112665-G-A. GRCh37 (hg19) VCF-style: chr7-104753112-G-A.
Other names: c.4909G>A, p.Gly1637Arg (NM_018682.4); short protein forms G1637R.
Identifiers: ClinVar variation 1327726 (VCV001327726.2), dbSNP rs1799364792, ClinGen allele CA368793833.